The following is an entry in ClinVar:

ClinVar aggregate classification (germline): Uncertain significance. Review status: criteria provided, multiple submitters, no conflicts (2 of 4 stars). 2 submissions from 2 submitters: Uncertain significance (2). Last evaluated 2023-10-24.

Conditions:
Inborn genetic diseases. Identifiers: MedGen C0950123, MeSH D030342.

Allele frequency attached by ClinVar (database versions not stated): ExAC 0.00001; gnomAD exomes 0.00002; gnomAD 0.00006; 1000 Genomes Project 30x 0.00016; 1000 Genomes Project 0.00020; TOPMed 0.00025.
gnomAD v4.1: 22 of 1,613,674 alleles (0.0014%); highest among the groups gnomAD compares: Admixed American, 0.03%; no homozygotes.

Submissions (2):

Ambry Genetics
Classification: Uncertain significance for Inborn genetic diseases. Last evaluated: 2023-10-24. Review status: criteria provided, single submitter. Criteria: Ambry Variant Classification Scheme 2023. Collection method: clinical testing. Allele origin: germline.

Labcorp Genetics (formerly Invitae), Labcorp
Classification: Uncertain significance. Last evaluated: 2022-04-08. Review status: criteria provided, single submitter. Criteria: Invitae Variant Classification Sherloc (09022015). Collection method: clinical testing. Allele origin: germline.
Comment: This sequence change replaces glutamine, which is neutral and polar, with arginine, which is basic and polar, at codon 290 of the C2CD3 protein (p.Gln290Arg). This variant is present in population databases (rs535300037, gnomAD 0.01%). This variant has not been reported in the literature in individuals affected with C2CD3-related conditions. Algorithms developed to predict the effect of missense changes on protein structure and function (SIFT, PolyPhen-2, Align-GVGD) all suggest that this variant is likely to be tolerated. In summary, the available evidence is currently insufficient to determine the role of this variant in disease. Therefore, it has been classified as a Variant of Uncertain Significance.

NM_001286577.2(C2CD3):c.869A>G (p.Gln290Arg)

Genes: C2CD3 (C2 domain containing 3 centriole elongation regulator; minus strand), LOC121392929 (Sharpr-MPRA regulatory region 9619; plus strand). Cytogenetic location: 11q13.4.
Variant type: single nucleotide variant.
Coding change: c.869A>G on transcript NM_001286577.2 (MANE Select); coding-DNA position 869, A replaced by G.
Protein change: p.Gln290Arg; replaces glutamine 290 with arginine.
Molecular consequence: missense variant.
Genome position (GRCh38, 1-based): chr11:74,138,806, T>C on the plus strand (A>G on the coding strand, the complement: C2CD3 is on the minus strand). VCF-style: chr11-74138806-T-C. GRCh37 (hg19) VCF-style: chr11-73849851-T-C.
Other names: c.869A>G, p.Gln290Arg (NM_015531.6); c.869A>G (NM_015531.4); short protein forms Q290R.
Identifiers: ClinVar variation 1421732 (VCV001421732.6), dbSNP rs535300037, ClinGen allele CA6183113.